The following is an entry in ClinVar:

NM_012140.5(SLC25A10):c.762+1G>A

Gene: SLC25A10 (solute carrier family 25 member 10; plus strand). Cytogenetic location: 17q25.3.
Variant type: single nucleotide variant.
Coding change: c.762+1G>A on transcript NM_012140.5 (MANE Select); the canonical splice donor site of the intron after coding-DNA position 762, G replaced by A.
Molecular consequence: splice donor variant.
Genome position (GRCh38, 1-based): chr17:81,719,888, G>A. VCF-style: chr17-81719888-G-A. GRCh37 (hg19) VCF-style: chr17-79686918-G-A.
Other names: c.789+1G>A (NM_001270888.2); c.679+1G>A (NM_001270953.2).
Identifiers: ClinVar variation 1708415 (VCV001708415.2), dbSNP rs762087308, ClinGen allele CA401520490.
Genomic context (GRCh38, chr17:81,719,888, plus strand): 5'-CAGGGCGTTTTCCACTGCGCCGTGGAGACAGCGAAGCTCGGGCCTCTGGCCTTTTACAAG[G>A]TGCAGTGGTGGCGGCAGTGGCGGCTTGGGCAATGGGGAGCGGGCCCCTTCGGGCTCTGTG-3'

ClinVar aggregate classification (germline): Likely pathogenic (1 of 4 stars; one submission).

gnomAD v4.1: 1 of 1,613,860 alleles (0.000062%); highest among the groups gnomAD compares: Non-Finnish European, 0.000085%; no homozygotes.

Submission:

Centre of Medical Genetics, University Hospital Muenster
Classification: Likely pathogenic. Last evaluated: 2022-09-13. Review status: criteria provided, single submitter. Criteria: ACMG Guidelines, 2015. Collection method: clinical testing. Allele origin: unknown. Affected: yes. Observed: 1 variant allele, 1 homozygote.
Comment: ACMG categories: PM1,PM2,PP3,PP6